The following is an entry in ClinVar:

NM_001100913.3(PACS2):c.650T>G (p.Val217Gly)

Gene: PACS2 (phosphofurin acidic cluster sorting protein 2; plus strand). Cytogenetic location: 14q32.33.
Variant type: single nucleotide variant.
Coding change: c.650T>G on transcript NM_001100913.3 (MANE Select); coding-DNA position 650, T replaced by G.
Protein change: p.Val217Gly; replaces valine 217 with glycine.
Molecular consequence: missense variant.
Genome position (GRCh38, 1-based): chr14:105,368,137, T>G. VCF-style: chr14-105368137-T-G. GRCh37 (hg19) VCF-style: chr14-105834474-T-G.
Other names: c.449T>G, p.Val150Gly (NM_001243127.3); c.650T>G, p.Val217Gly (NM_015197.4); short protein forms V150G, V217G.
Identifiers: ClinVar variation 2782180 (VCV002782180.3), dbSNP rs782653328, ClinGen allele CA7388464.

ClinVar aggregate classification (germline): Uncertain significance (1 of 4 stars; one submission).

Allele frequency attached by ClinVar (database versions not stated): gnomAD exomes below 0.00001; ExAC 0.00001.
gnomAD v4.1: 1 of 1,608,244 alleles (0.000062%); highest among the groups gnomAD compares: Admixed American, 0.0017%; no homozygotes.

Submission:

Labcorp Genetics (formerly Invitae), Labcorp
Classification: Uncertain significance. Last evaluated: 2023-10-16. Review status: criteria provided, single submitter. Criteria: Invitae Variant Classification Sherloc (09022015). Collection method: clinical testing. Allele origin: germline.
Comment: This sequence change replaces valine, which is neutral and non-polar, with glycine, which is neutral and non-polar, at codon 217 of the PACS2 protein (p.Val217Gly). This variant is present in population databases (rs782653328, gnomAD 0.003%). This variant has not been reported in the literature in individuals affected with PACS2-related conditions. An algorithm developed to predict the effect of missense changes on protein structure and function (PolyPhen-2) suggests that this variant is likely to be tolerated. In summary, the available evidence is currently insufficient to determine the role of this variant in disease. Therefore, it has been classified as a Variant of Uncertain Significance.